The following is an entry in ClinVar:

ClinVar aggregate classification (germline): Uncertain significance (1 of 4 stars; one submission).

Allele frequency attached by ClinVar (database versions not stated): ExAC 0.00002; gnomAD exomes 0.00002; TOPMed 0.00002; gnomAD 0.00003.

Submission:

Labcorp Genetics (formerly Invitae), Labcorp
Classification: Uncertain significance. Last evaluated: 2025-03-29. Review status: criteria provided, single submitter. Criteria: Invitae Variant Classification Sherloc (09022015). Collection method: clinical testing. Allele origin: germline.
Comment: This sequence change replaces methionine, which is neutral and non-polar, with isoleucine, which is neutral and non-polar, at codon 1307 of the ACACA protein (p.Met1307Ile). This variant is present in population databases (rs750729427, gnomAD 0.005%). This variant has not been reported in the literature in individuals affected with ACACA-related conditions. ClinVar contains an entry for this variant (Variation ID: 1908053). An algorithm developed to predict the effect of missense changes on protein structure and function (PolyPhen-2) suggests that this variant is likely to be tolerated. In summary, the available evidence is currently insufficient to determine the role of this variant in disease. Therefore, it has been classified as a Variant of Uncertain Significance.

NM_198834.3(ACACA):c.4032G>T (p.Met1344Ile)

Gene: ACACA (acetyl-CoA carboxylase alpha; minus strand). Cytogenetic location: 17q12.
Variant type: single nucleotide variant.
Coding change: c.4032G>T on transcript NM_198834.3 (MANE Select); coding-DNA position 4032, G replaced by T.
Protein change: p.Met1344Ile; replaces methionine 1344 with isoleucine.
Molecular consequence: missense variant.
Genome position (GRCh38, 1-based): chr17:37,205,789, C>A on the plus strand (G>T on the coding strand, the complement: ACACA is on the minus strand). VCF-style: chr17-37205789-C-A. GRCh37 (hg19) VCF-style: chr17-35562703-C-A.
Other names: c.3921G>T, p.Met1307Ile (NM_198836.3, NM_198839.3); c.3747G>T, p.Met1249Ile (NM_198837.2); c.3687G>T, p.Met1229Ile (NM_198838.2); short protein forms M1249I, M1307I, M1344I, M1229I.
Identifiers: ClinVar variation 1908053 (VCV001908053.5), dbSNP rs750729427, ClinGen allele CA8515185.